The following is an entry in ClinVar:

ClinVar aggregate classification (germline): Uncertain significance (1 of 4 stars; one submission).

Allele frequency attached by ClinVar (database versions not stated): gnomAD exomes 0.00001.
gnomAD v4.1: 3 of 1,549,444 alleles (0.00019%); highest among the groups gnomAD compares: Non-Finnish European, 0.00026%; no homozygotes.

Submission:

Labcorp Genetics (formerly Invitae), Labcorp
Classification: Uncertain significance. Last evaluated: 2022-08-05. Review status: criteria provided, single submitter. Criteria: Invitae Variant Classification Sherloc (09022015). Collection method: clinical testing. Allele origin: germline.
Comment: In summary, the available evidence is currently insufficient to determine the role of this variant in disease. Therefore, it has been classified as a Variant of Uncertain Significance. Algorithms developed to predict the effect of missense changes on protein structure and function output the following: SIFT: "Deleterious"; PolyPhen-2: "Benign"; Align-GVGD: "Class C0". The valine amino acid residue is found in multiple mammalian species, which suggests that this missense change does not adversely affect protein function. This variant has not been reported in the literature in individuals affected with DTHD1-related conditions. This variant is not present in population databases (gnomAD no frequency). This sequence change replaces methionine, which is neutral and non-polar, with valine, which is neutral and non-polar, at codon 154 of the DTHD1 protein (p.Met154Val).

NM_001170700.3(DTHD1):c.1330A>G (p.Met444Val)

Gene: DTHD1 (death domain containing 1; plus strand). Cytogenetic location: 4p14.
Variant type: single nucleotide variant.
Coding change: c.1330A>G on transcript NM_001170700.3 (MANE Select); coding-DNA position 1330, A replaced by G.
Protein change: p.Met444Val; replaces methionine 444 with valine.
Molecular consequence: missense variant. On other transcripts: non-coding transcript variant (2).
Genome position (GRCh38, 1-based): chr4:36,293,637, A>G. VCF-style: chr4-36293637-A-G. GRCh37 (hg19) VCF-style: chr4-36295259-A-G.
Other names: c.460A>G, p.Met154Val (NM_001136536.5); c.397A>G, p.Met133Val (NM_001378435.1); short protein forms M133V, M154V, M444V.
Identifiers: ClinVar variation 1715103 (VCV001715103.5), dbSNP rs2529727133, ClinGen allele CA356679565.